The following is an entry in ClinVar:

ClinVar aggregate classification (germline): Likely benign (0 of 4 stars; one submission).

Conditions:
PHIP-related disorder. Also called: PHIP-related disorders; PHIP-related condition.

Allele frequency attached by ClinVar (database versions not stated): gnomAD exomes below 0.00001; ExAC 0.00001; TOPMed 0.00003.

Submission:

PreventionGenetics, part of Exact Sciences
Classification: Likely benign for PHIP-related condition. Last evaluated: 2021-06-18. Review status: no assertion criteria provided. Collection method: clinical testing. Allele origin: germline.
Comment: This variant is classified as likely benign based on ACMG/AMP sequence variant interpretation guidelines (Richards et al. 2015 PMID: 25741868, with internal and published modifications).

NM_017934.7(PHIP):c.261A>G (p.Glu87=)

Gene: PHIP (PHIP subunit of CUL4-Ring ligase complex; minus strand). Cytogenetic location: 6q14.1.
Variant type: single nucleotide variant.
Coding change: c.261A>G on transcript NM_017934.7 (MANE Select); coding-DNA position 261, A replaced by G.
Protein change: p.Glu87=; no amino-acid change (glutamic acid 87 retained).
Molecular consequence: synonymous variant.
Genome position (GRCh38, 1-based): chr6:79,060,747, T>C on the plus strand (A>G on the coding strand, the complement: PHIP is on the minus strand). VCF-style: chr6-79060747-T-C. GRCh37 (hg19) VCF-style: chr6-79770464-T-C.
Identifiers: ClinVar variation 3059130 (VCV003059130.2), dbSNP rs768949909, ClinGen allele CA3900404.